The following is an entry in ClinVar:

NM_000093.5(COL5A1):c.4955-2A>G

Genes: COL5A1 (collagen type V alpha 1 chain; plus strand), LOC101448202 (uncharacterized LOC101448202; minus strand). Cytogenetic location: 9q34.3.
Variant type: single nucleotide variant.
Coding change: c.4955-2A>G on transcript NM_000093.5 (MANE Select); the canonical splice acceptor site of the intron before coding-DNA position 4955, A replaced by G.
Molecular consequence: splice acceptor variant.
Genome position (GRCh38, 1-based): chr9:134,825,790, A>G. VCF-style: chr9-134825790-A-G. GRCh37 (hg19) VCF-style: chr9-137717636-A-G.
Other names: c.4955-2A>G (NM_001278074.1).
Identifiers: ClinVar variation 4528120 (VCV004528120.1).

ClinVar aggregate classification (germline): Pathogenic (1 of 4 stars; one submission).

Submission:

GeneDx
Classification: Pathogenic. Last evaluated: 2025-04-23. Review status: criteria provided, single submitter. Criteria: GeneDx Variant Classification Process June 2021. Collection method: clinical testing. Allele origin: germline. Affected: yes.
Comment: Canonical splice site variant predicted to result in a null allele in a gene for which loss of function is a known mechanism of disease; Not observed at significant frequency in large population cohorts (gnomAD); This variant is associated with the following publications: (PMID: 25122555, 32736638)